The following is an entry in ClinVar:

ClinVar aggregate classification (germline): Uncertain significance (1 of 4 stars; one submission).

Conditions:
Immunodeficiency 31B. Also called: STAT1 DEFICIENCY, AUTOSOMAL RECESSIVE; IMMUNODEFICIENCY 31B, MYCOBACTERIAL AND VIRAL INFECTIONS, AUTOSOMAL RECESSIVE. Identifiers: Orphanet 391311, MedGen C3151088, MONDO:0013427, OMIM 613796.
Autoimmune enteropathy and endocrinopathy - susceptibility to chronic infections syndrome. Also called: Immunodeficiency 31C, autosomal dominant; Immunodeficiency 31C. Identifiers: Orphanet 391487, MedGen C3279990, MONDO:0013599, OMIM 614162.
Mendelian susceptibility to mycobacterial diseases due to partial STAT1 deficiency. Also called: IMMUNODEFICIENCY 31A, MYCOBACTERIOSIS, AUTOSOMAL DOMINANT; STAT1 DEFICIENCY, AUTOSOMAL DOMINANT; Immunodeficiency 31a. Identifiers: Orphanet 319595, MedGen C4013950, MONDO:0013956, OMIM 614892.

Submission:

Labcorp Genetics (formerly Invitae), Labcorp
Classification: Uncertain significance for Mendelian susceptibility to mycobacterial diseases due to partial STAT1 deficiency; Immunodeficiency 31B; Autoimmune enteropathy and endocrinopathy - susceptibility to chronic infections syndrome. Last evaluated: 2020-04-06. Review status: criteria provided, single submitter. Criteria: Invitae Variant Classification Sherloc (09022015). Collection method: clinical testing. Allele origin: germline.
Comment: In summary, the available evidence is currently insufficient to determine the role of this variant in disease. Therefore, it has been classified as a Variant of Uncertain Significance. This sequence change replaces arginine with serine at codon 346 of the STAT1 protein (p.Arg346Ser). The arginine residue is highly conserved and there is a moderate physicochemical difference between arginine and serine. This variant is not present in population databases (ExAC no frequency). This variant has not been reported in the literature in individuals with STAT1-related conditions. Algorithms developed to predict the effect of missense changes on protein structure and function (SIFT, PolyPhen-2, Align-GVGD) all suggest that this variant is likely to be disruptive, but these predictions have not been confirmed by published functional studies and their clinical significance is uncertain.

NM_007315.4(STAT1):c.1038A>C (p.Arg346Ser)

Gene: STAT1 (signal transducer and activator of transcription 1; minus strand). Cytogenetic location: 2q32.2.
Variant type: single nucleotide variant.
Coding change: c.1038A>C on transcript NM_007315.4 (MANE Select); coding-DNA position 1038, A replaced by C.
Protein change: p.Arg346Ser; replaces arginine 346 with serine.
Molecular consequence: missense variant. On other transcripts: intron variant (1).
Genome position (GRCh38, 1-based): chr2:190,989,674, T>G on the plus strand (A>C on the coding strand, the complement: STAT1 is on the minus strand). VCF-style: chr2-190989674-T-G. GRCh37 (hg19) VCF-style: chr2-191854400-T-G.
Other names: c.1044A>C, p.Arg348Ser (NM_001384881.1, NM_001384884.1); c.1038A>C, p.Arg346Ser (NM_001384882.1, NM_001384886.1, NM_001384888.1 and 2 more transcripts); c.939A>C, p.Arg313Ser (NM_001384883.1); c.879A>C, p.Arg293Ser (NM_001384885.1); c.945A>C, p.Arg315Ser (NM_001384887.1); c.948A>C, p.Arg316Ser (NM_001384890.1); c.1074A>C, p.Arg358Ser (NM_001384891.1); c.1037+1554A>C (NM_001384880.1); short protein forms R346S, R293S, R313S, R315S, R316S, R348S, R358S.
Identifiers: ClinVar variation 857689 (VCV000857689.10), dbSNP rs1693169265, ClinGen allele CA349920081.